The following is an entry in ClinVar:

NM_030662.4(MAP2K2):c.338A>G (p.Asn113Ser)

Gene: MAP2K2 (mitogen-activated protein kinase kinase 2; minus strand). Cytogenetic location: 19p13.3.
Variant type: single nucleotide variant.
Coding change: c.338A>G on transcript NM_030662.4 (MANE Select); coding-DNA position 338, A replaced by G.
Protein change: p.Asn113Ser; replaces asparagine 113 with serine.
Molecular consequence: missense variant.
Genome position (GRCh38, 1-based): chr19:4,110,621, T>C on the plus strand (A>G on the coding strand, the complement: MAP2K2 is on the minus strand). VCF-style: chr19-4110621-T-C. GRCh37 (hg19) VCF-style: chr19-4110619-T-C.
Other names: short protein forms N113S.
Identifiers: ClinVar variation 3667493 (VCV003667493.2).

ClinVar aggregate classification (germline): Uncertain significance (1 of 4 stars; one submission).

Conditions:
RASopathy. Also called: Noonan spectrum disorder; rasopathies. Identifiers: Orphanet 536391, MedGen C5555857, MONDO:0021060.

Submission:

Labcorp Genetics (formerly Invitae), Labcorp
Classification: Uncertain significance for RASopathy. Last evaluated: 2025-05-23. Review status: criteria provided, single submitter. Criteria: Invitae Variant Classification Sherloc (09022015). Collection method: clinical testing. Allele origin: germline.
Comment: This sequence change replaces asparagine, which is neutral and polar, with serine, which is neutral and polar, at codon 113 of the MAP2K2 protein (p.Asn113Ser). This variant is not present in population databases (gnomAD no frequency). This variant has not been reported in the literature in individuals affected with MAP2K2-related conditions. ClinVar contains an entry for this variant (Variation ID: 3667493). Invitae Evidence Modeling of protein sequence and biophysical properties (such as structural, functional, and spatial information, amino acid conservation, physicochemical variation, residue mobility, and thermodynamic stability) has been performed for this missense variant. However, the output from this modeling did not meet the statistical confidence thresholds required to predict the impact of this variant on MAP2K2 protein function. In summary, the available evidence is currently insufficient to determine the role of this variant in disease. Therefore, it has been classified as a Variant of Uncertain Significance.